The following is an entry in ClinVar:

NM_000350.3(ABCA4):c.5329A>T (p.Met1777Leu)

Gene: ABCA4 (ATP binding cassette subfamily A member 4; minus strand). Cytogenetic location: 1p22.1.
Variant type: single nucleotide variant.
Coding change: c.5329A>T on transcript NM_000350.3 (MANE Select); coding-DNA position 5329, A replaced by T.
Protein change: p.Met1777Leu; replaces methionine 1777 with leucine.
Molecular consequence: missense variant.
Genome position (GRCh38, 1-based): chr1:94,014,674, T>A on the plus strand (A>T on the coding strand, the complement: ABCA4 is on the minus strand). VCF-style: chr1-94014674-T-A. GRCh37 (hg19) VCF-style: chr1-94480230-T-A.
Other names: c.5107A>T, p.Met1703Leu (NM_001425324.1); short protein forms M1777L, M1703L.
Identifiers: ClinVar variation 813140 (VCV000813140.17), dbSNP rs375184282, ClinGen allele CA957299.

ClinVar aggregate classification (germline): Conflicting classifications of pathogenicity. Review status: criteria provided, conflicting classifications (1 of 4 stars). 8 submissions from 8 submitters: Pathogenic (1); Likely pathogenic (4); Uncertain significance (2); Likely benign (1). Last evaluated 2026-05-12.

Conditions:
Isolated macular dystrophy. Identifiers: Orphanet 519302, MedGen C5681367, MONDO:0957048.
Retinal dystrophy. Also called: Inherited retinal dystrophy. Identifiers: Orphanet 71862, MedGen C0854723, MeSH D058499, MONDO:0019118, HP:0000556.
ABCA4-related disorder. Also called: ABCA4-related condition; ABCA4-related disorders. Identifiers: MedGen CN239167.
Severe early-childhood-onset retinal dystrophy (STGD1). Also called: Stargardt macular dystrophy; Juvenile onset macular degeneration; Stargardt disease 1; MACULAR DYSTROPHY WITH FLECKS, TYPE 1; STGD. Identifiers: Orphanet 364055, Orphanet 827, MedGen C1855465, MeSH D000080362, MONDO:0009549, OMIM 248200.
ABCA4-related retinopathy. Also called: ABCA4 retinoapthy; ABCA4-related retinoapthy. Identifiers: MedGen CN322612, MONDO:0800406.

Allele frequency attached by ClinVar (database versions not stated): ESP Exome Variant Server 0.00008; gnomAD 0.00008 and 0.00007; TOPMed 0.00005; gnomAD exomes 0.00006; ExAC 0.00007.

Submissions (8):

PreventionGenetics, part of Exact Sciences
Classification: Likely pathogenic for ABCA4-related condition. Last evaluated: 2026-05-12. Review status: criteria provided, single submitter. Criteria: ACMG Guidelines, 2015. Collection method: clinical testing. Allele origin: germline.
Comment: The ABCA4 c.5329A>T variant is predicted to result in the amino acid substitution p.Met1777Leu. This variant has been reported in the compound heterozygous state or along with a second causative ABCA4 variant in indidivuals with ABCA4-related conditions (eTable 1, Bianco et al. 2023. PubMed ID: 37498587; Table S2, Weisschuh et al. 2020. PubMed ID: 32531858; Table S3, Falsini et al. 2022. PubMed ID: 35260635; Appendix A, Maggi et al. 2021. PubMedID: 33546218). This variant is reported in 0.012% of alleles in individuals of European (Non-Finnish) descent in gnomAD. This variant is interpreted as likely pathogenic.

GeneDx
Classification: Likely pathogenic. Last evaluated: 2026-02-19. Review status: criteria provided, single submitter. Criteria: GeneDx Variant Classification Process June 2021. Collection method: clinical testing. Allele origin: germline.
Comment: In silico analysis suggests that this missense variant does not alter protein structure/function; This variant is associated with the following publications: (PMID: 31212395, 29178665, 33546218, 32531858, 35260635, Saleh2021[Case report], 37498587)

Labcorp Genetics (formerly Invitae), Labcorp
Classification: Likely benign. Last evaluated: 2025-12-01. Review status: criteria provided, single submitter. Criteria: Invitae Variant Classification Sherloc (09022015). Collection method: clinical testing. Allele origin: germline.

Institute of Human Genetics, Univ. Regensburg, Univ. Regensburg
Classification: Likely pathogenic for Retinal dystrophy. Last evaluated: 2022-01-01. Review status: criteria provided, single submitter. Criteria: ACMG Guidelines, 2015. Collection method: clinical testing. Allele origin: germline. Affected: yes.

Blueprint Genetics
Classification: Uncertain significance. Last evaluated: 2021-10-19. Review status: criteria provided, single submitter. Criteria: ACMG Guidelines, 2015. Collection method: clinical testing. Allele origin: germline.

Department of Pathology and Laboratory Medicine, Sinai Health System
Classification: Uncertain significance for ABCA4-related retinopathy. Last evaluated: 2021-07-30. Review status: criteria provided, single submitter. Criteria: ACMG Guidelines, 2015. Collection method: research. Allele origin: germline.

Institute of Medical Molecular Genetics, University of Zurich
Classification: Likely pathogenic for Severe early-childhood-onset retinal dystrophy. Last evaluated: 2021-01-30. Review status: criteria provided, single submitter. Criteria: ACMG Guidelines, 2015. Collection method: clinical testing. Allele origin: germline. Affected: yes.

Molecular Genetics Laboratory, Institute for Ophthalmic Research
Classification: Pathogenic for Isolated macular dystrophy. Last evaluated: 2020-01-09. Review status: criteria provided, single submitter. Criteria: ACMG Guidelines, 2015. Collection method: research. Allele origin: germline. Affected: yes.

Literature cited by the submitters: PubMed 29178665 (cited by Institute of Human Genetics, Univ. Regensburg, Univ. Regensburg); PubMed 32531858 (cited by Institute of Human Genetics, Univ. Regensburg, Univ. Regensburg); PubMed 35260635 (cited by Institute of Human Genetics, Univ. Regensburg, Univ. Regensburg).